The following is an entry in ClinVar:

ClinVar aggregate classification (germline): Benign. Review status: criteria provided, multiple submitters, no conflicts (2 of 4 stars). 2 submissions from 2 submitters: Benign (2). Last evaluated 2018-06-14.

Allele frequency attached by ClinVar (database versions not stated): 1000 Genomes Project 30x 0.26765; 1000 Genomes Project 0.26877; gnomAD exomes 0.28575 and 0.30188; ExAC 0.28840; TOPMed 0.31015; gnomAD 0.31160 and 0.31638; ESP Exome Variant Server 0.31952.
gnomAD v4.1: 483,997 of 1,597,430 alleles (30%); highest among the groups gnomAD compares: Middle Eastern, 35%; 75,451 homozygotes.

Submissions (2):

GeneDx
Classification: Benign. Last evaluated: 2018-06-14. Review status: criteria provided, single submitter. Criteria: GeneDx Variant Classification (06012015). Collection method: clinical testing. Allele origin: germline. Affected: yes.
Comment: This variant is considered likely benign or benign based on one or more of the following criteria: it is a conservative change, it occurs at a poorly conserved position in the protein, it is predicted to be benign by multiple in silico algorithms, and/or has population frequency not consistent with disease.

Breakthrough Genomics
Classification: Benign. Review status: criteria provided, single submitter. Criteria: ACMG Guidelines, 2015. Collection method: not provided. Allele origin: germline. Inheritance: Autosomal recessive inheritance. Affected: yes.

NM_001351169.2(NT5C2):c.1160-24C>A

Gene: NT5C2 (5'-nucleotidase, cytosolic II; minus strand). Cytogenetic location: 10q24.32.
Variant type: single nucleotide variant.
Coding change: c.1160-24C>A on transcript NM_001351169.2 (MANE Select); 24 bases into the intron before coding-DNA position 1160, C replaced by A.
Molecular consequence: intron variant.
Genome position (GRCh38, 1-based): chr10:103,091,639, G>T on the plus strand (C>A on the coding strand, the complement: NT5C2 is on the minus strand). VCF-style: chr10-103091639-G-T. GRCh37 (hg19) VCF-style: chr10-104851396-G-T.
Other names: c.1073-24C>A (NM_001351174.1); c.587-24C>A (NM_001351191.1, NM_001351192.1, NM_001351193.1 and 16 more transcripts); c.446-24C>A (NM_001351194.2, NM_001351195.2, NM_001351196.2); c.1160-24C>A (NM_001134373.3, NM_012229.5); c.1184-24C>A (NM_001351170.2, NM_001351171.2, NM_001351172.2 and 1 more transcripts); c.1067-24C>A (NM_001351175.2).
Identifiers: ClinVar variation 667744 (VCV000667744.2), dbSNP rs11191553, ClinGen allele CA5670838.